The following is an entry in ClinVar:

ClinVar aggregate classification (germline): Pathogenic. Review status: criteria provided, multiple submitters, no conflicts (2 of 4 stars). 3 submissions from 3 submitters: Pathogenic (2). 1 of the submissions does not count toward it. Last evaluated 2020-01-21.

Conditions:
Hereditary breast ovarian cancer syndrome. Also called: Hereditary breast and/or ovarian cancer syndrome; Breast and ovarian cancer; Hereditary breast and ovarian cancer syndrome; Hereditary breast and ovarian cancer; Hereditary breast and ovarian cancer syndrome (HBOC); BRCA1- and BRCA2-Associated Hereditary Breast and Ovarian Cancer. Identifiers: Orphanet 145, MedGen C0677776, MeSH D061325, MONDO:0003582. Disease mechanism: loss of function.
Breast-ovarian cancer, familial, susceptibility to, 1 (BROVCA1). Also called: BRCA1 Hereditary Breast and Ovarian Cancer; OVARIAN CANCER, SUSCEPTIBILITY TO. Identifiers: Orphanet 145, MedGen C2676676, MONDO:0011450, OMIM 604370. Disease mechanism: loss of function.

Submissions (4):

Labcorp Genetics (formerly Invitae), Labcorp
Classification: Pathogenic for Hereditary breast ovarian cancer syndrome. Last evaluated: 2020-01-21. Review status: criteria provided, single submitter. Criteria: Invitae Variant Classification Sherloc (09022015). Collection method: clinical testing. Allele origin: germline.
Comment: For these reasons, this variant has been classified as Pathogenic. Donor and acceptor splice site variants typically lead to a loss of protein function (PMID: 16199547), and loss-of-function variants in BRCA1 are known to be pathogenic (PMID: 20104584). Experimental studies have shown that this variant disrupts mRNA splicing and/or protein function (PMID: 30209399). This variant has been observed in an individual affected with breast cancer (PMID: 25863477). ClinVar contains an entry for this variant (Variation ID: 125517). This variant is not present in population databases (ExAC no frequency). This sequence change affects a donor splice site in intron 2 of the BRCA1 gene. It is expected to disrupt RNA splicing and likely results in an absent or disrupted protein product.

Consortium of Investigators of Modifiers of BRCA1/2 (CIMBA), c/o University of Cambridge
Classification: Pathogenic for Breast-ovarian cancer, familial, susceptibility to, 1. Last evaluated: 2015-10-02. Review status: criteria provided, single submitter. Criteria: CIMBA Mutation Classification guidelines May 2016. Collection method: clinical testing. Allele origin: germline.

Breast Cancer Information Core (BIC) (BRCA1)
Classification: Pathogenic for Breast-ovarian cancer, familial 1. Last evaluated: 1997-11-14. Review status: no assertion criteria provided. Collection method: clinical testing. Allele origin: germline. Affected: yes. Observed: 1 variant allele. Not counted in ClinVar's aggregate classification.

Brotman Baty Institute, University of Washington
No classification provided (evidence only). Condition: Breast-ovarian cancer, familial 1. Review status: no classification provided. Collection method: in vitro. Allele origin: not applicable. Functional consequence: functionally_abnormal. Not counted in ClinVar's aggregate classification.
ClinVar note: "not provided" was previously submitted as the classification for the variant. However, the classification appeared to be based only on an observation of functional data so it was converted to no classification on 2025-07-30.

Literature cited by the submitters: PubMed 16199547 (cited by Labcorp Genetics (formerly Invitae), Labcorp); PubMed 20104584 (cited by Labcorp Genetics (formerly Invitae), Labcorp); PubMed 30209399 (cited by Labcorp Genetics (formerly Invitae), Labcorp); PubMed 25863477 (cited by Labcorp Genetics (formerly Invitae), Labcorp).

NM_007294.4(BRCA1):c.80+1G>T

Gene: BRCA1 (BRCA1 DNA repair associated; minus strand). Cytogenetic location: 17q21.31.
Variant type: single nucleotide variant.
Coding change: c.80+1G>T on transcript NM_007294.4 (MANE Select); the canonical splice donor site of the intron after coding-DNA position 80, G replaced by T.
Molecular consequence: splice donor variant. On other transcripts: intron variant (36).
Genome position (GRCh38, 1-based): chr17:43,124,016, C>A on the plus strand (G>T on the coding strand, the complement: BRCA1 is on the minus strand). VCF-style: chr17-43124016-C-A. GRCh37 (hg19) VCF-style: chr17-41276033-C-A.
Other names: IVS2+1G>T; c.80+1G>T (NM_001407646.1, NM_001408445.1, NM_001408432.1 and 192 more transcripts); c.-228+1G>T (NM_001407917.1, NM_001408513.1, NM_001407954.1); c.-181+1G>T (NM_001408462.1, NM_001408503.1, NM_001407943.1 and 22 more transcripts); c.-55+1G>T (NM_001407902.1, NM_001407898.1, NM_001407881.1); c.-225+1G>T (NM_001408492.1, NM_001407889.1); c.-178+1G>T (NM_001408468.1, NM_001407842.1, NM_001407749.1 and 11 more transcripts); c.-182+1G>T (NM_001407695.1, NM_001408465.1); and 24 more.
Identifiers: ClinVar variation 125517 (VCV000125517.15), dbSNP rs80358010, ClinGen allele CA003886.